The following is an entry in ClinVar:

NM_001385012.1(NBEA):c.48C>G (p.Pro16=)

Gene: NBEA (neurobeachin; plus strand). Cytogenetic location: 13q13.3.
Variant type: single nucleotide variant.
Coding change: c.48C>G on transcript NM_001385012.1 (MANE Select); coding-DNA position 48, C replaced by G.
Protein change: p.Pro16=; no amino-acid change (proline 16 retained).
Molecular consequence: synonymous variant.
Genome position (GRCh38, 1-based): chr13:34,942,868, C>G. VCF-style: chr13-34942868-C-G. GRCh37 (hg19) VCF-style: chr13-35517005-C-G.
Other names: p.Pro16=; c.48C>G, p.Pro16= (NM_001379245.1, NM_015678.5).
Identifiers: ClinVar variation 790672 (VCV000790672.23), dbSNP rs377255095, ClinGen allele CA6945982.

ClinVar aggregate classification (germline): Likely benign. Review status: criteria provided, multiple submitters, no conflicts (2 of 4 stars). 4 submissions from 4 submitters: Likely benign (3). 1 of the submissions does not count toward it. Last evaluated 2024-10-04.

Conditions:
NBEA-related disorder. Also called: NBEA-related condition.

Allele frequency attached by ClinVar (database versions not stated): ExAC below 0.00001; 1000 Genomes Project 0.00280; 1000 Genomes Project 30x 0.00297; TOPMed 0.00323.
gnomAD v4.1: 791 of 1,409,702 alleles (0.056%); highest among the groups gnomAD compares: African/African-American, 1%; 2 homozygotes.

Submissions (4):

Mayo Clinic Laboratories, Mayo Clinic
Classification: Likely benign. Last evaluated: 2024-10-04. Review status: criteria provided, single submitter. Criteria: ACMG Guidelines, 2015. Collection method: clinical testing. Allele origin: germline. Observed: 1 variant allele.
Comment: BS1, BP4, BP7

CeGaT Center for Human Genetics Tuebingen
Classification: Likely benign. Last evaluated: 2024-06-01. Review status: criteria provided, single submitter. Criteria: CeGaT Center For Human Genetics Tuebingen Variant Classification Criteria Version 2. Collection method: clinical testing. Allele origin: germline. Affected: yes. Observed: 1 variant allele.
Comment: NBEA: BP4, BP7, BS1

Labcorp Genetics (formerly Invitae), Labcorp
Classification: Likely benign. Last evaluated: 2018-06-13. Review status: criteria provided, single submitter. Criteria: Invitae Variant Classification Sherloc (09022015). Collection method: clinical testing. Allele origin: germline.

PreventionGenetics, part of Exact Sciences
Classification: Benign for NBEA-related condition. Last evaluated: 2019-08-28. Review status: no assertion criteria provided. Collection method: clinical testing. Allele origin: germline. Not counted in ClinVar's aggregate classification.
Comment: This variant is classified as benign based on ACMG/AMP sequence variant interpretation guidelines (Richards et al. 2015 PMID: 25741868, with internal and published modifications).